The following is an entry in ClinVar:

NM_001082971.2(DDC):c.1181A>G (p.Gln394Arg)

Gene: DDC (dopa decarboxylase; minus strand). Cytogenetic location: 7p12.2.
Variant type: single nucleotide variant.
Coding change: c.1181A>G on transcript NM_001082971.2 (MANE Select); coding-DNA position 1181, A replaced by G.
Protein change: p.Gln394Arg; replaces glutamine 394 with arginine.
Molecular consequence: missense variant.
Genome position (GRCh38, 1-based): chr7:50,467,275, T>C on the plus strand (A>G on the coding strand, the complement: DDC is on the minus strand). VCF-style: chr7-50467275-T-C. GRCh37 (hg19) VCF-style: chr7-50534973-T-C.
Other names: c.1181A>G, p.Gln394Arg (NM_000790.4); c.1067A>G, p.Gln356Arg (NM_001242886.2); c.1037A>G, p.Gln346Arg (NM_001242887.2); c.947A>G, p.Gln316Arg (NM_001242888.2); c.902A>G, p.Gln301Arg (NM_001242889.2); short protein forms Q301R, Q356R, Q394R, Q316R, Q346R.
Identifiers: ClinVar variation 1506325 (VCV001506325.3), dbSNP rs200295408, ClinGen allele CA4262033.

ClinVar aggregate classification (germline): Uncertain significance (1 of 4 stars; one submission).

Conditions:
Deficiency of aromatic-L-amino-acid decarboxylase. Also called: Aromatic L-Amino Acid Decarboxylase Deficiency; Aromatic amino acid decarboxylase deficiency; AADC DEFICIENCY; DDC DEFICIENCY; DOPA DECARBOXYLASE DEFICIENCY. Identifiers: Orphanet 35708, MedGen C1291564, MONDO:0012084, OMIM 608643.

Allele frequency attached by ClinVar (database versions not stated): gnomAD exomes 0.00001 and 0.00002; ExAC 0.00002; gnomAD 0.00009; TOPMed 0.00011; ESP Exome Variant Server 0.00015; 1000 Genomes Project 30x 0.00016; 1000 Genomes Project 0.00020.
gnomAD v4.1: 33 of 1,614,212 alleles (0.002%); highest among the groups gnomAD compares: African/African-American, 0.037%; no homozygotes.

Submission:

Labcorp Genetics (formerly Invitae), Labcorp
Classification: Uncertain significance for Deficiency of aromatic-L-amino-acid decarboxylase. Last evaluated: 2022-07-29. Review status: criteria provided, single submitter. Criteria: Invitae Variant Classification Sherloc (09022015). Collection method: clinical testing. Allele origin: germline.
Comment: This sequence change replaces glutamine, which is neutral and polar, with arginine, which is basic and polar, at codon 394 of the DDC protein (p.Gln394Arg). This variant is present in population databases (rs200295408, gnomAD 0.03%). This variant has not been reported in the literature in individuals affected with DDC-related conditions. ClinVar contains an entry for this variant (Variation ID: 1506325). Algorithms developed to predict the effect of missense changes on protein structure and function output the following: SIFT: "Tolerated"; PolyPhen-2: "Benign"; Align-GVGD: "Class C0". The arginine amino acid residue is found in multiple mammalian species, which suggests that this missense change does not adversely affect protein function. In summary, the available evidence is currently insufficient to determine the role of this variant in disease. Therefore, it has been classified as a Variant of Uncertain Significance.